The following is an entry in ClinVar:

NM_201253.3(CRB1):c.3992G>A (p.Arg1331His)

Gene: CRB1 (crumbs cell polarity complex component 1; plus strand). Cytogenetic location: 1q31.3.
Variant type: single nucleotide variant.
Coding change: c.3992G>A on transcript NM_201253.3 (MANE Select); coding-DNA position 3992, G replaced by A.
Protein change: p.Arg1331His; replaces arginine 1331 with histidine.
Molecular consequence: missense variant. On other transcripts: non-coding transcript variant (2).
Genome position (GRCh38, 1-based): chr1:197,442,279, G>A. VCF-style: chr1-197442279-G-A. GRCh37 (hg19) VCF-style: chr1-197411409-G-A.
Other names: c.3656G>A, p.Arg1219His (NM_001193640.2); c.3920G>A, p.Arg1307His (NM_001257965.2); c.2384G>A, p.Arg795His (NM_001257966.2); short protein forms R1331H, R795H, R1219H, R1307H.
Identifiers: ClinVar variation 99906 (VCV000099906.74), dbSNP rs62636285, ClinGen allele CA200873.

ClinVar aggregate classification (germline): Benign/Likely benign. Review status: criteria provided, multiple submitters, no conflicts (2 of 4 stars). 19 submissions from 15 submitters: Benign (6); Likely benign (8). 5 of the submissions do not count toward it. Last evaluated 2026-06-01.

Conditions:
CRB1-related disorder. Also called: CRB1-related condition; CRB1-related disorders.
Leber congenital amaurosis 8 (LCA8). Identifiers: Orphanet 65, MedGen C3151202, MONDO:0013453, OMIM 613835.
Retinitis pigmentosa 12 (RP12). Also called: RP WITH OR WITHOUT PPRPE; RP WITH OR WITHOUT PRESERVED PARAARTERIOLE RETINAL PIGMENT EPITHELIUM; RETINITIS PIGMENTOSA WITH OR WITHOUT PARAARTERIOLAR PRESERVATION OF RETINAL PIGMENT EPITHELIUM. Identifiers: Orphanet 791, MedGen C1838647, MONDO:0010818, OMIM 600105.
Retinitis pigmentosa (RP). Identifiers: Orphanet 791, MedGen C0035334, MeSH D012174, MONDO:0019200, OMIM 268000. Inheritance: Autosomal dominant, autosomal recessive and X linked inheritance.
Leber congenital amaurosis (LCA). Also called: Leber's amaurosis. Identifiers: Orphanet 65, MedGen C0339527, MeSH D057130, MONDO:0018998.
Pigmented paravenous retinochoroidal atrophy. Identifiers: Orphanet 251295, MedGen C1868310, MONDO:0008246, OMIM 172870.
Leber congenital amaurosis 1 (LCA1). Also called: RETINAL BLINDNESS, CONGENITAL; Congenital absence of the rods and cones; Leber's congenital tapetoretinal degeneration; Leber's congenital tapetoretinal dysplasia; AMAUROSIS CONGENITA OF LEBER I. Identifiers: Orphanet 65, MedGen C2931258, MONDO:0008764, OMIM 204000.

Allele frequency attached by ClinVar (database versions not stated): gnomAD 0.00105 and 0.00078; ExAC 0.00152; ESP Exome Variant Server 0.00069; TOPMed 0.00072; 1000 Genomes Project 30x 0.00094; 1000 Genomes Project 0.00100.
gnomAD v4.1: 1,939 of 1,614,140 alleles (0.12%); highest among the groups gnomAD compares: South Asian, 0.76%; 6 homozygotes.

Submissions (19):

CeGaT Center for Human Genetics Tuebingen
Classification: Likely benign. Last evaluated: 2026-06-01. Review status: criteria provided, single submitter. Criteria: CeGaT Center For Human Genetics Tuebingen Variant Classification Criteria Version 2. Collection method: clinical testing. Allele origin: germline. Affected: yes. Observed: 6 variant alleles.
Comment: CRB1: PM5, BS2

Labcorp Genetics (formerly Invitae), Labcorp
Classification: Benign for Leber congenital amaurosis 8; Retinitis pigmentosa 12. Last evaluated: 2026-01-26. Review status: criteria provided, single submitter. Criteria: Invitae Variant Classification Sherloc (09022015). Collection method: clinical testing. Allele origin: germline.

Blueprint Genetics
Classification: Likely benign. Last evaluated: 2024-11-20. Review status: criteria provided, single submitter. Criteria: ACMG Guidelines, 2015. Collection method: clinical testing. Allele origin: germline.

Genome-Nilou Lab
Classification: Benign for Leber congenital amaurosis 8. Last evaluated: 2021-07-01. Review status: criteria provided, single submitter. Criteria: ACMG Guidelines, 2015. Collection method: clinical testing. Allele origin: germline. Affected: no.

Genome-Nilou Lab
Classification: Benign for Pigmented paravenous retinochoroidal atrophy. Last evaluated: 2021-07-01. Review status: criteria provided, single submitter. Criteria: ACMG Guidelines, 2015. Collection method: clinical testing. Allele origin: germline. Affected: no.

Genome-Nilou Lab
Classification: Benign for Retinitis pigmentosa 12. Last evaluated: 2021-07-01. Review status: criteria provided, single submitter. Criteria: ACMG Guidelines, 2015. Collection method: clinical testing. Allele origin: germline. Affected: no.

ARUP Laboratories, Molecular Genetics and Genomics, ARUP Laboratories
Classification: Benign. Last evaluated: 2020-02-14. Review status: criteria provided, single submitter. Criteria: ARUP Molecular Germline Variant Investigation Process. Collection method: clinical testing. Allele origin: germline.

Mendelics
Classification: Likely benign for Leber congenital amaurosis 1. Last evaluated: 2019-05-28. Review status: criteria provided, single submitter. Criteria: Mendelics Assertion Criteria 2017. Collection method: clinical testing. Allele origin: unknown.

GeneDx
Classification: Likely benign. Last evaluated: 2018-12-14. Review status: criteria provided, single submitter. Criteria: GeneDx Variant Classification Process June 2021. Collection method: clinical testing. Allele origin: germline. Affected: yes.
Comment: This variant is associated with the following publications: (PMID: 12843338, 17964524, 16123401, 24811962, 22065545, 18055816, 11231775, 15459956, 11389483)

Illumina Laboratory Services, Illumina
Classification: Likely benign for Leber congenital amaurosis 8. Last evaluated: 2017-04-27. Review status: criteria provided, single submitter. Criteria: ICSL Variant Classification Criteria 13 December 2019. Collection method: clinical testing. Allele origin: germline.
Comment: This variant was observed as part of a predisposition screen in an ostensibly healthy population. A literature search was performed for the gene, cDNA change, and amino acid change (where applicable). No publications were found based on this search. Allele frequency data from public databases allowed determination this variant is unlikely to cause disease. Therefore, this variant is classified as likely benign.

Illumina Laboratory Services, Illumina
Classification: Likely benign for Retinitis pigmentosa. Last evaluated: 2017-04-27. Review status: criteria provided, single submitter. Criteria: ICSL Variant Classification Criteria 13 December 2019. Collection method: clinical testing. Allele origin: germline.
Comment: the same text as in the submission from Illumina Laboratory Services, Illumina above.

Illumina Laboratory Services, Illumina
Classification: Likely benign for Pigmented paravenous retinochoroidal atrophy. Last evaluated: 2017-04-27. Review status: criteria provided, single submitter. Criteria: ICSL Variant Classification Criteria 13 December 2019. Collection method: clinical testing. Allele origin: germline.
Comment: the same text as in the submission from Illumina Laboratory Services, Illumina above.

Eurofins Ntd Llc (ga)
Classification: Benign. Last evaluated: 2015-02-16. Review status: criteria provided, single submitter. Criteria: EGL Classification Definitions 2015. Collection method: clinical testing. Allele origin: germline. Observed: 1 variant allele, 1 heterozygote.

Breakthrough Genomics
Classification: Likely benign. Review status: criteria provided, single submitter. Criteria: ACMG Guidelines, 2015. Collection method: not provided. Allele origin: germline. Inheritance: Autosomal recessive inheritance. Affected: yes.

Natera, Inc.
Classification: Likely benign for Leber congenital amaurosis. Last evaluated: 2020-05-08. Review status: no assertion criteria provided. Collection method: clinical testing. Allele origin: germline. Not counted in ClinVar's aggregate classification.

PreventionGenetics, part of Exact Sciences
Classification: Benign for CRB1-related condition. Last evaluated: 2020-04-21. Review status: no assertion criteria provided. Collection method: clinical testing. Allele origin: germline. Not counted in ClinVar's aggregate classification.
Comment: This variant is classified as benign based on ACMG/AMP sequence variant interpretation guidelines (Richards et al. 2015 PMID: 25741868, with internal and published modifications).

Clinical Genetics DNA and cytogenetics Diagnostics Lab, Erasmus MC, Erasmus Medical Center
Classification: Likely benign. Review status: no assertion criteria provided. Collection method: clinical testing. Allele origin: germline. Affected: yes. Study: VKGL Data-share Consensus. Not counted in ClinVar's aggregate classification.

Clinical Genetics, Academic Medical Center
Classification: Likely benign. Review status: no assertion criteria provided. Collection method: clinical testing. Allele origin: germline. Affected: yes. Study: VKGL Data-share Consensus. Not counted in ClinVar's aggregate classification.

Retina International
No classification provided. Review status: no classification provided. Collection method: not provided. Allele origin: unknown. Not counted in ClinVar's aggregate classification.